The following is an entry in ClinVar:

NM_001376571.1(MADD):c.4047C>G (p.Ile1349Met)

Gene: MADD (MAP kinase activating death domain; plus strand). Cytogenetic location: 11p11.2.
Variant type: single nucleotide variant.
Coding change: c.4047C>G on transcript NM_001376571.1 (MANE Select); coding-DNA position 4047, C replaced by G.
Protein change: p.Ile1349Met; replaces isoleucine 1349 with methionine.
Molecular consequence: missense variant. On other transcripts: non-coding transcript variant (8).
Genome position (GRCh38, 1-based): chr11:47,309,396, C>G. VCF-style: chr11-47309396-C-G. GRCh37 (hg19) VCF-style: chr11-47330947-C-G.
Other names: c.3738C>G, p.Ile1246Met (NM_001135943.2); c.3729C>G, p.Ile1243Met (NM_001135944.2, NM_001376618.1, NM_001376619.1 and 2 more transcripts); c.4035C>G, p.Ile1345Met (NM_001376572.1, NM_001376573.1, NM_001376599.1 and 2 more transcripts); c.3993C>G, p.Ile1331Met (NM_001376574.1, NM_001376605.1); c.3987C>G, p.Ile1329Met (NM_001376575.1); c.3975C>G, p.Ile1325Met (NM_001376576.1, NM_001376577.1, NM_001376610.1); c.3948C>G, p.Ile1316Met (NM_001376578.1); c.3921C>G, p.Ile1307Met (NM_001376579.1, NM_001376580.1, NM_001376622.1 and 1 more transcripts); and 41 more; short protein forms I1068M, I1138M, I1209M, I1214M, I1234M, I1257M, I1288M, I1291M.
Identifiers: ClinVar variation 3869492 (VCV003869492.2).

ClinVar aggregate classification (germline): Uncertain significance. Review status: criteria provided, multiple submitters, no conflicts (2 of 4 stars). 2 submissions from 2 submitters: Uncertain significance (2). Last evaluated 2025-03-21.

Conditions:
Inborn genetic diseases. Identifiers: MedGen C0950123, MeSH D030342.

gnomAD v4.1: 4 of 1,613,984 alleles (0.00025%); highest among the groups gnomAD compares: Non-Finnish European, 0.00025%; no homozygotes.

Submissions (2):

Women's Health and Genetics/Laboratory Corporation of America, LabCorp
Classification: Uncertain significance. Last evaluated: 2025-03-21. Review status: criteria provided, single submitter. Criteria: LabCorp Variant Classification Summary - May 2015. Collection method: clinical testing. Allele origin: germline.
Comment: Variant summary: MADD c.4047C>G (p.Ile1349Met) results in a conservative amino acid change located in the death domain (IPR056574) of the encoded protein sequence. Three of five in-silico tools predict a benign effect of the variant on protein function. The variant allele was found at a frequency of 2.5e-06 in 1606990 control chromosomes (gnomAD v4.1). The available data on variant occurrences in the general population are insufficient to allow any conclusion about variant significance. To our knowledge, no occurrence of c.4047C>G in individuals affected with MADD-Related Disorders and no experimental evidence demonstrating its impact on protein function have been reported. No submitters have cited clinical-significance assessments for this variant to ClinVar. Based on the evidence outlined above, the variant was classified as uncertain significance.

Ambry Genetics
Classification: Uncertain significance for Inborn genetic diseases. Last evaluated: 2024-12-16. Review status: criteria provided, single submitter. Criteria: Ambry Variant Classification Scheme 2023. Collection method: clinical testing. Allele origin: germline.